The following is an entry in ClinVar:

ClinVar aggregate classification (germline): Uncertain significance (1 of 4 stars; one submission).

Allele frequency attached by ClinVar (database versions not stated): gnomAD 0.00001.

Submission:

Labcorp Genetics (formerly Invitae), Labcorp
Classification: Uncertain significance. Last evaluated: 2023-07-10. Review status: criteria provided, single submitter. Criteria: Invitae Variant Classification Sherloc (09022015). Collection method: clinical testing. Allele origin: germline.
Comment: This sequence change replaces aspartic acid, which is acidic and polar, with asparagine, which is neutral and polar, at codon 177 of the NEFH protein (p.Asp177Asn). This variant is not present in population databases (gnomAD no frequency). This variant has not been reported in the literature in individuals affected with NEFH-related conditions. Advanced modeling of protein sequence and biophysical properties (such as structural, functional, and spatial information, amino acid conservation, physicochemical variation, residue mobility, and thermodynamic stability) performed at Invitae indicates that this missense variant is not expected to disrupt NEFH protein function. In summary, the available evidence is currently insufficient to determine the role of this variant in disease. Therefore, it has been classified as a Variant of Uncertain Significance.

NM_021076.4(NEFH):c.529G>A (p.Asp177Asn)

Gene: NEFH (neurofilament heavy chain; plus strand). Cytogenetic location: 22q12.2.
Variant type: single nucleotide variant.
Coding change: c.529G>A on transcript NM_021076.4 (MANE Select); coding-DNA position 529, G replaced by A.
Protein change: p.Asp177Asn; replaces aspartic acid 177 with asparagine.
Molecular consequence: missense variant.
Genome position (GRCh38, 1-based): chr22:29,480,791, G>A. VCF-style: chr22-29480791-G-A. GRCh37 (hg19) VCF-style: chr22-29876780-G-A.
Other names: short protein forms D177N.
Identifiers: ClinVar variation 2907732 (VCV002907732.3), dbSNP rs2063000966, ClinGen allele CA411123046.